The following is an entry in ClinVar:

ClinVar aggregate classification (germline): Pathogenic. Review status: criteria provided, multiple submitters, no conflicts (2 of 4 stars). 2 submissions from 2 submitters: Pathogenic (2). Last evaluated 2026-01-20.

Conditions:
Mitochondrial disease. Also called: Mitochondrial disorders; Mitochondrial disorder. Identifiers: Orphanet 68380, MedGen C0751651, MeSH D028361, MONDO:0044970.

Allele frequency attached by ClinVar (database versions not stated): gnomAD exomes below 0.00001.
gnomAD v4.1: 4 of 1,613,916 alleles (0.00025%); highest among the groups gnomAD compares: East Asian, 0.0045%; no homozygotes.

Submissions (2):

Labcorp Genetics (formerly Invitae), Labcorp
Classification: Pathogenic. Last evaluated: 2026-01-20. Review status: criteria provided, single submitter. Criteria: Invitae Variant Classification Sherloc (09022015). Collection method: clinical testing. Allele origin: germline.
Comment: This sequence change replaces serine, which is neutral and polar, with leucine, which is neutral and non-polar, at codon 135 of the TK2 protein (p.Ser135Leu). This variant is not present in population databases (gnomAD no frequency). This missense change has been observed in individual(s) with clinical features of mitochondrial DNA depletion syndrome (PMID: 23932787). In at least one individual the data is consistent with being in trans (on the opposite chromosome) from a pathogenic variant. ClinVar contains an entry for this variant (Variation ID: 2137836). Invitae Evidence Modeling of protein sequence and biophysical properties (such as structural, functional, and spatial information, amino acid conservation, physicochemical variation, residue mobility, and thermodynamic stability) indicates that this missense variant is expected to disrupt TK2 protein function with a positive predictive value of 95%. For these reasons, this variant has been classified as Pathogenic.

Genomenon, Inc
Classification: Pathogenic for Mitochondrial disease. Last evaluated: 2025-11-24. Review status: criteria provided, single submitter. Criteria: Genomenon Sequence Variant Interpretation Standards - Updated. Collection method: curation. Allele origin: germline. Affected: yes.
Comment: TK2 p.Ser135Leu (c.404C>T) is a missense variant that changes the amino acid at residue 135 from Serine to Leucine. This variant has been observed in multiple probands affected with mitochondrial disease in the compound heterozygous state, with a pathogenic or likely pathogenic variant confirmed in trans (23932787). TK2 Ser135Leu is located in a mutational hotspot and/or important functional domain. This variant is not present at a significant frequency in gnomAD, and in silico models agree that this variant is possibly or probably damaging. In conclusion, we classify TK2 p.Ser135Leu (c.404C>T) as a pathogenic variant.

Literature cited by the submitters: PubMed 23932787 (cited by Labcorp Genetics (formerly Invitae), Labcorp and Genomenon, Inc).

NM_004614.5(TK2):c.404C>T (p.Ser135Leu)

Gene: TK2 (thymidine kinase 2; minus strand). Cytogenetic location: 16q21.
Variant type: single nucleotide variant.
Coding change: c.404C>T on transcript NM_004614.5 (MANE Select); coding-DNA position 404, C replaced by T.
Protein change: p.Ser135Leu; replaces serine 135 with leucine.
Molecular consequence: missense variant. On other transcripts: non-coding transcript variant (1).
Genome position (GRCh38, 1-based): chr16:66,529,039, G>A on the plus strand (C>T on the coding strand, the complement: TK2 is on the minus strand). VCF-style: chr16-66529039-G-A. GRCh37 (hg19) VCF-style: chr16-66562942-G-A.
Other names: c.311C>T, p.Ser104Leu (NM_001172643.1, NM_001271935.1); c.329C>T, p.Ser110Leu (NM_001172644.2); c.350C>T, p.Ser117Leu (NM_001172645.2); c.257C>T, p.Ser86Leu (NM_001271934.2); c.113C>T, p.Ser38Leu (NM_001272050.2); c.404C>T (NM_004614.4); short protein forms S110L, S117L, S38L, S104L, S135L, S86L.
Identifiers: ClinVar variation 2137836 (VCV002137836.6), dbSNP rs970983506, ClinGen allele CA282187728.